The following is an entry in ClinVar:

ClinVar aggregate classification (germline): Uncertain significance (1 of 4 stars; one submission).

Conditions:
Hypertrophic cardiomyopathy 1 (CMH1). Also called: MYH7-Related Familial Hypertrophic Cardiomyopathy; Familial hypertrophic cardiomyopathy 1. Identifiers: MedGen C3495498, MONDO:0008647, OMIM 192600.

Submission:

Labcorp Genetics (formerly Invitae), Labcorp
Classification: Uncertain significance for Hypertrophic cardiomyopathy 1. Last evaluated: 2021-11-07. Review status: criteria provided, single submitter. Criteria: Invitae Variant Classification Sherloc (09022015). Collection method: clinical testing. Allele origin: germline.
Comment: This sequence change creates a premature translational stop signal (p.Leu291Tyrfs*48) in the MYLK2 gene. It is expected to result in an absent or disrupted protein product. However, the current clinical and genetic evidence is not sufficient to establish whether loss-of-function variants in MYLK2 cause disease. This variant is not present in population databases (gnomAD no frequency). This variant has not been reported in the literature in individuals affected with MYLK2-related conditions. Algorithms developed to predict the effect of sequence changes on RNA splicing suggest that this variant may create or strengthen a splice site. In summary, the available evidence is currently insufficient to determine the role of this variant in disease. Therefore, it has been classified as a Variant of Uncertain Significance.

NM_033118.4(MYLK2):c.852_870dup (p.Leu291fs)

Gene: MYLK2 (myosin light chain kinase 2; plus strand). Cytogenetic location: 20q11.21.
Variant type: Duplication.
Coding change: c.852_870dup on transcript NM_033118.4 (MANE Select); coding-DNA positions 852 to 870, 19 bases duplicated (TATGAACTCCAAGGAGGCG).
Protein change: p.Leu291fs; shifts the reading frame from leucine 291.
Molecular consequence: frameshift variant.
Genome position (GRCh38, 1-based): chr20:31,823,556-31,823,574, TATGAACTCCAAGGAGGCG duplicated; duplicating any 19 consecutive bases within chr20:31,823,555-31,823,574 gives the same sequence; the c. name uses the placement nearest the transcript's 3' end. VCF-style (leftmost placement, unchanged base first): chr20-31823554-A-AGTATGAACTCCAAGGAGGC. GRCh37 (hg19) VCF-style: chr20-30411357-A-AGTATGAACTCCAAGGAGGC.
Other names: short protein forms L291fs.
Identifiers: ClinVar variation 1460643 (VCV001460643.6), dbSNP rs2123130570, ClinGen allele CA2573157012.